The following is an entry in ClinVar:

NM_004336.5(BUB1):c.2099T>C (p.Leu700Pro)

Gene: BUB1 (BUB1 mitotic checkpoint serine/threonine kinase; minus strand). Cytogenetic location: 2q13.
Variant type: single nucleotide variant.
Coding change: c.2099T>C on transcript NM_004336.5 (MANE Select); coding-DNA position 2099, T replaced by C.
Protein change: p.Leu700Pro; replaces leucine 700 with proline.
Molecular consequence: missense variant.
Genome position (GRCh38, 1-based): chr2:110,650,650, A>G on the plus strand (T>C on the coding strand, the complement: BUB1 is on the minus strand). VCF-style: chr2-110650650-A-G. GRCh37 (hg19) VCF-style: chr2-111408227-A-G.
Other names: c.2039T>C, p.Leu680Pro (NM_001278616.2); c.2099T>C, p.Leu700Pro (NM_001278617.2); short protein forms L680P, L700P.
Identifiers: ClinVar variation 1785846 (VCV001785846.2), dbSNP rs2104527333, ClinGen allele CA348209900.

ClinVar aggregate classification (germline): Uncertain significance (1 of 4 stars; one submission).

Allele frequency attached by ClinVar (database versions not stated): gnomAD exomes below 0.00001.
gnomAD v4.1: 1 of 1,613,966 alleles (0.000062%); highest among the groups gnomAD compares: East Asian, 0.0022%; no homozygotes.

Submission:

Ambry Genetics
Classification: Uncertain significance. Last evaluated: 2021-06-28. Review status: criteria provided, single submitter. Criteria: Ambry Variant Classification Scheme 2023. Collection method: clinical testing. Allele origin: germline.
Comment: The p.L700P variant (also known as c.2099T>C), located in coding exon 18 of the BUB1 gene, results from a T to C substitution at nucleotide position 2099. The leucine at codon 700 is replaced by proline, an amino acid with similar properties. This amino acid position is conserved. In addition, this alteration is predicted to be tolerated by in silico analysis. Since supporting evidence is limited at this time, the clinical significance of this alteration remains unclear.